The following is an entry in ClinVar:

ClinVar aggregate classification (germline): Pathogenic/Likely pathogenic. Review status: criteria provided, multiple submitters, no conflicts (2 of 4 stars). 3 submissions from 3 submitters: Pathogenic (2); Likely pathogenic (1). Last evaluated 2024-05-13.

Conditions:
Marfan syndrome (MFS). Also called: Marfan syndrome type 1; Marfan's syndrome; FBN1-Related Marfan Syndrome; MARFAN SYNDROME, TYPE I; Marfan syndrome, classic. Identifiers: Orphanet 284963, Orphanet 558, MedGen C0024796, MONDO:0007947, OMIM 154700.
Familial thoracic aortic aneurysm and aortic dissection (TAAD). Also called: Thoracic aortic aneurysms and dissections. Identifiers: Orphanet 91387, MedGen C4707243, MONDO:0019625.

Submissions (3):

Labcorp Genetics (formerly Invitae), Labcorp
Classification: Pathogenic for Marfan syndrome; Familial thoracic aortic aneurysm and aortic dissection. Last evaluated: 2024-05-13. Review status: criteria provided, single submitter. Criteria: Invitae Variant Classification Sherloc (09022015). Collection method: clinical testing. Allele origin: germline.
Comment: This sequence change replaces cysteine, which is neutral and slightly polar, with arginine, which is basic and polar, at codon 1934 of the FBN1 protein (p.Cys1934Arg). This variant is not present in population databases (gnomAD no frequency). This missense change has been observed in individuals with Marfan syndrome (PMID: 25907466, 34550612). ClinVar contains an entry for this variant (Variation ID: 1325428). Advanced modeling of protein sequence and biophysical properties (such as structural, functional, and spatial information, amino acid conservation, physicochemical variation, residue mobility, and thermodynamic stability) performed at Invitae indicates that this missense variant is expected to disrupt FBN1 protein function with a positive predictive value of 95%. This variant affects a cysteine residue in the EGF-like, TGFBP or hybrid motif domains of FBN1. Cysteine residues are believed to be involved in intramolecular disulfide bridges and have been shown to be important for FBN1 protein structure (PMID: 16905551, 19349279). In addition, missense substitutions affecting cysteine residues within these domains are significantly overrepresented among patients with Marfan syndrome (PMID: 16571647, 17701892). This variant disrupts the p.Cys1934 amino acid residue in FBN1. Other variant(s) that disrupt this residue have been observed in individuals with FBN1-related conditions (PMID: 18435798, 21542060), which suggests that this may be a clinically significant amino acid residue. For these reasons, this variant has been classified as Pathogenic.

Centre of Medical Genetics, University of Antwerp
Classification: Pathogenic for Marfan syndrome. Last evaluated: 2021-03-01. Review status: criteria provided, single submitter. Criteria: Submitter's publication. Collection method: research. Allele origin: unknown. Affected: yes.
Comment: PM2, PVS2, PP4

Dr. med. U. Finckh, Human Genetics, Eurofins MVZ
Classification: Likely pathogenic for Marfan syndrome. Last evaluated: 2019-12-14. Review status: criteria provided, single submitter. Criteria: ACMG Guidelines, 2015. Collection method: clinical testing. Allele origin: unknown. Affected: yes. Observed: 2 heterozygotes.
Comment: The variant is not present in gnomAD. Several other missense variants of this codon have been reported to be pathogenic. In silico analysis strongly support a damaging effect of the variant. We therefore classify it as likely pathogenic.

Literature cited by the submitters: PubMed 25907466 (cited by Labcorp Genetics (formerly Invitae), Labcorp); PubMed 34550612 (cited by Labcorp Genetics (formerly Invitae), Labcorp); PubMed 16905551 (cited by Labcorp Genetics (formerly Invitae), Labcorp); PubMed 19349279 (cited by Labcorp Genetics (formerly Invitae), Labcorp); PubMed 16571647 (cited by Labcorp Genetics (formerly Invitae), Labcorp); PubMed 17701892 (cited by Labcorp Genetics (formerly Invitae), Labcorp); PubMed 18435798 (cited by Labcorp Genetics (formerly Invitae), Labcorp); PubMed 21542060 (cited by Labcorp Genetics (formerly Invitae), Labcorp).

NM_000138.5(FBN1):c.5800T>C (p.Cys1934Arg)

Gene: FBN1 (fibrillin 1; minus strand). Cytogenetic location: 15q21.1.
Variant type: single nucleotide variant.
Coding change: c.5800T>C on transcript NM_000138.5 (MANE Select); coding-DNA position 5800, T replaced by C.
Protein change: p.Cys1934Arg; replaces cysteine 1934 with arginine.
Molecular consequence: missense variant.
Genome position (GRCh38, 1-based): chr15:48,445,493, A>G on the plus strand (T>C on the coding strand, the complement: FBN1 is on the minus strand). VCF-style: chr15-48445493-A-G. GRCh37 (hg19) VCF-style: chr15-48737690-A-G.
Other names: c.5800T>C, p.Cys1934Arg (NM_001406716.1); short protein forms C1934R.
Identifiers: ClinVar variation 1325428 (VCV001325428.5), dbSNP rs1555395767, ClinGen allele CA392340228.